The following is an entry in ClinVar:

NM_002529.4(NTRK1):c.1633-1G>A

Gene: NTRK1 (neurotrophic receptor tyrosine kinase 1; plus strand). Cytogenetic location: 1q23.1.
Variant type: single nucleotide variant.
Coding change: c.1633-1G>A on transcript NM_002529.4 (MANE Select); the canonical splice acceptor site of the intron before coding-DNA position 1633, G replaced by A.
Molecular consequence: splice acceptor variant.
Genome position (GRCh38, 1-based): chr1:156,876,399, G>A. VCF-style: chr1-156876399-G-A. GRCh37 (hg19) VCF-style: chr1-156846191-G-A.
Other names: c.1525-1G>A (NM_001007792.1); c.1615-1G>A (NM_001012331.2).
Identifiers: ClinVar variation 1460329 (VCV001460329.6), dbSNP rs1571699664, ClinGen allele CA342938353.
Genomic context (GRCh38, chr1:156,876,399, plus strand): 5'-GGGTGAACAGCAGTGAGGGCTCGGCCCCCAACTCAGTCCTGTCCCTGCCGCTTCCATCCA[G>A]GCACTGAAGGAGGCGTCCGAGAGTGCTCGGCAGGACTTCCAGCGTGAGGCTGAGCTGCTC-3'

ClinVar aggregate classification (germline): Pathogenic (1 of 4 stars; one submission).

Conditions:
Hereditary insensitivity to pain with anhidrosis (CIPA). Also called: NTRK1 Congenital Insensitivity to Pain with Anhidrosis; hereditary sensory and autonomic neuropathy type 4; FAMILIAL DYSAUTONOMIA, TYPE II; INSENSITIVITY TO PAIN, CONGENITAL, WITH ANHIDROSIS; NEUROPATHY, CONGENITAL SENSORY, WITH ANHIDROSIS; HSAN Type IV. Identifiers: Orphanet 642, MedGen C0020074, MONDO:0009746, OMIM 256800.

Submission:

Labcorp Genetics (formerly Invitae), Labcorp
Classification: Pathogenic for Hereditary insensitivity to pain with anhidrosis. Last evaluated: 2021-08-20. Review status: criteria provided, single submitter. Criteria: Invitae Variant Classification Sherloc (09022015). Collection method: clinical testing. Allele origin: germline.
Comment: For these reasons, this variant has been classified as Pathogenic. Algorithms developed to predict the effect of sequence changes on RNA splicing suggest that this variant may disrupt the consensus splice site. Disruption of this splice site has been observed in individuals with hereditary sensory and autonomic neuropathy type 4 (PMID: 18322713). This variant is not present in population databases (ExAC no frequency). This sequence change affects an acceptor splice site in intron 12 of the NTRK1 gene. It is expected to disrupt RNA splicing. Variants that disrupt the donor or acceptor splice site typically lead to a loss of protein function (PMID: 16199547), and loss-of-function variants in NTRK1 are known to be pathogenic (PMID: 10982191).

Literature cited by the submitters: PubMed 18322713; PubMed 16199547; PubMed 10982191.